The following is an entry in ClinVar:

ClinVar aggregate classification (germline): Uncertain significance (1 of 4 stars; one submission).

Conditions:
Hereditary cancer-predisposing syndrome. Also called: Neoplastic Syndromes, Hereditary; Tumor predisposition; Hereditary neoplastic syndrome; Hereditary Cancer Syndrome. Identifiers: Orphanet 140162, MedGen C0027672, MeSH D009386, MONDO:0015356.

Submission:

Ambry Genetics
Classification: Uncertain significance for Hereditary cancer-predisposing syndrome. Last evaluated: 2026-07-07. Review status: criteria provided, single submitter. Criteria: Ambry Variant Classification Scheme 2023. Collection method: clinical testing. Allele origin: germline.
Comment: The p.I811L variant (also known as c.2431A>C), located in coding exon 15 of the CDH1 gene, results from an A to C substitution at nucleotide position 2431. The isoleucine at codon 811 is replaced by leucine, an amino acid with highly similar properties. This amino acid position is conserved. In addition, the in silico prediction for this alteration is inconclusive. Based on the available evidence, the clinical significance of this variant remains unclear.

NM_004360.5(CDH1):c.2431A>C (p.Ile811Leu)

Gene: CDH1 (cadherin 1; plus strand). Cytogenetic location: 16q22.1.
Variant type: single nucleotide variant.
Coding change: c.2431A>C on transcript NM_004360.5 (MANE Select); coding-DNA position 2431, A replaced by C.
Protein change: p.Ile811Leu; replaces isoleucine 811 with leucine.
Molecular consequence: missense variant.
Genome position (GRCh38, 1-based): chr16:68,829,789, A>C. VCF-style: chr16-68829789-A-C. GRCh37 (hg19) VCF-style: chr16-68863692-A-C.
Other names: c.2248A>C, p.Ile750Leu (NM_001317184.2); c.883A>C, p.Ile295Leu (NM_001317185.2); c.466A>C, p.Ile156Leu (NM_001317186.2); short protein forms I156L, I295L, I811L, I750L.
Identifiers: ClinVar variation 5033970 (VCV005033970.1).